The following is an entry in ClinVar:

ClinVar aggregate classification (germline): Benign/Likely benign. Review status: criteria provided, multiple submitters, no conflicts (2 of 4 stars). 5 submissions from 5 submitters: Benign (3); Likely benign (2). Last evaluated 2026-08-01.

Submissions (5):

CeGaT Center for Human Genetics Tuebingen
Classification: Likely benign. Last evaluated: 2026-08-01. Review status: criteria provided, single submitter. Criteria: CeGaT Center For Human Genetics Tuebingen Variant Classification Criteria Version 2. Collection method: clinical testing. Allele origin: germline. Affected: yes. Observed: 1 variant allele.
Comment: TPRN: BS1

Labcorp Genetics (formerly Invitae), Labcorp
Classification: Benign. Last evaluated: 2025-12-25. Review status: criteria provided, single submitter. Criteria: Invitae Variant Classification Sherloc (09022015). Collection method: clinical testing. Allele origin: germline.

Blueprint Genetics
Classification: Likely benign. Last evaluated: 2024-11-26. Review status: criteria provided, single submitter. Criteria: ACMG Guidelines, 2015. Collection method: clinical testing. Allele origin: germline.

GeneDx
Classification: Benign. Last evaluated: 2020-06-11. Review status: criteria provided, single submitter. Criteria: GeneDx Variant Classification Process June 2021. Collection method: clinical testing. Allele origin: germline. Affected: yes.

Laboratory for Molecular Medicine, Mass General Brigham Personalized Medicine
Classification: Benign. Last evaluated: 2015-01-21. Review status: criteria provided, single submitter. Criteria: LMM Criteria. Collection method: clinical testing. Allele origin: germline. Observed: 11 variant alleles.
Comment: p.Glu607[16] in exon 2 of TPRN: This duplication is unlikely to have clinical si gnificance because it is located within a repeat region of glutamate (Glu) resid ues and expansion of this repeat by one or more residues has been seen in at lea st 2.4% of East Asian chromosomes by the Exome Aggregation Consortium (ExAC).

NM_001128228.3(TPRN):c.1818GGA[10] (p.Glu621dup)

Gene: TPRN (taperin; minus strand). Cytogenetic location: 9q34.3.
Variant type: Microsatellite.
Coding change: c.1818GGA[10] on transcript NM_001128228.3 (MANE Select); ten copies in a row of the 3-base unit GGA starting at c.1818; the reference has nine copies in a row; one copy, 3 bases duplicated; also written c.1842_1844dup.
Protein change: p.Glu621dup; duplicates glutamic acid 621.
Molecular consequence: inframe insertion.
Genome position (GRCh38, 1-based): chr9:137,192,573-137,192,575, TCC duplicated on the plus strand (GGA on the coding strand, the reverse complement: TPRN is on the minus strand); duplicating any 3 consecutive bases within chr9:137,192,573-137,192,600 gives the same sequence; the position shown is the placement nearest the transcript's 3' end. VCF-style (leftmost placement, unchanged base first): chr9-137192572-T-TTCC. GRCh37 (hg19) VCF-style: chr9-140087024-T-TTCC.
Other names: p.Glu621_Gly622insGlu; c.1842_1844dup (NM_001128228.2).
Identifiers: ClinVar variation 43961 (VCV000043961.18), dbSNP rs376810326, ClinGen allele CA133242.